The following is an entry in ClinVar:

NM_018062.4(FANCL):c.809dup (p.Asn270fs)

Gene: FANCL (FA complementation group L; minus strand). Cytogenetic location: 2p16.1.
Variant type: Duplication.
Coding change: c.809dup on transcript NM_018062.4 (MANE Select); coding-DNA position 809, one base duplicated (A; older notation c.809dupA).
Protein change: p.Asn270fs; shifts the reading frame from asparagine 270.
Molecular consequence: frameshift variant.
Genome position (GRCh38, 1-based): chr2:58,163,041, T duplicated on the plus strand (A on the coding strand, the reverse complement: FANCL is on the minus strand); the first of 2 consecutive T bases (chr2:58,163,041-58,163,042); duplicating either gives the same sequence. VCF-style (leftmost placement, unchanged base first): chr2-58163040-G-GT. GRCh37 (hg19) VCF-style: chr2-58390175-G-GT.
Other names: c.809dupA (NM_018062.3); c.823dup, p.Asn275Lysfs (NM_001114636.2); c.854dup, p.Asn285fs (NM_001374615.1); c.869dup, p.Asn290fs (NM_001410792.1); short protein forms N270fs, N275fs, N285fs, N290fs.
Identifiers: ClinVar variation 2632507 (VCV002632507.1), dbSNP rs2466610093, ClinGen allele CA2659152703.
Genomic context (GRCh38, chr2:58,163,040, plus strand): 5'-ACTTTGTAAAATCACCAAAAAGTAAAAATTATATTGCCAAGGTACCTACCACAAATGTAT[G>GT]TTCCTGCTCAGCTTAATTCCCAGGGGTTTTACCACTTCAGATTAAAAAAAAAAAATTTAA-3'

ClinVar aggregate classification (germline): Likely pathogenic (1 of 4 stars; one submission).

Conditions:
FANCL-related disorder. Also called: FANCL-related condition.

Submission:

PreventionGenetics, part of Exact Sciences
Classification: Likely pathogenic for FANCL-related condition. Last evaluated: 2023-05-30. Review status: criteria provided, single submitter. Criteria: ACMG Guidelines, 2015. Collection method: clinical testing. Allele origin: germline.
Comment: The FANCL c.809dupA variant is predicted to result in a frameshift and premature protein termination (p.Asn270Lysfs*10). To our knowledge, this variant has not been reported in the literature or in a large population database, indicating this variant is rare. Frameshift variants in FANCL are expected to be pathogenic. This variant is interpreted as likely pathogenic.